The following is an entry in ClinVar:

ClinVar aggregate classification (germline): Uncertain significance (1 of 4 stars; one submission).

Submission:

Women's Health and Genetics/Laboratory Corporation of America, LabCorp
Classification: Uncertain significance. Last evaluated: 2024-08-05. Review status: criteria provided, single submitter. Criteria: LabCorp Variant Classification Summary - May 2015. Collection method: clinical testing. Allele origin: germline.
Comment: Variant summary: DYNC1H1 c.13089_13100del12 (p.Lys4363_Asp4367delinsAsn) results in an in-frame deletion-insertion that is predicted to insert 1 amino acid from the protein and also cause changes in 5 amino acids. The variant was absent in 251026 control chromosomes. The available data on variant occurrences in the general population are insufficient to allow any conclusion about variant significance. To our knowledge, no occurrence of c.13089_13100del12 in individuals affected with DYNC1H1-Related Disorders and no experimental evidence demonstrating its impact on protein function have been reported. No submitters have cited clinical-significance assessments for this variant to ClinVar. Based on the evidence outlined above, the variant was classified as uncertain significance.

NM_001376.5(DYNC1H1):c.13089_13100del (p.Lys4363_Asp4367delinsAsn)

Gene: DYNC1H1 (dynein cytoplasmic 1 heavy chain 1; plus strand). Cytogenetic location: 14q32.31.
Variant type: Deletion.
Coding change: c.13089_13100del on transcript NM_001376.5 (MANE Select); coding-DNA positions 13089 to 13100, 12 bases deleted (GACGAGGACAGA).
Protein change: p.Lys4363_Asp4367delinsAsn.
Molecular consequence: inframe indel.
Genome position (GRCh38, 1-based): chr14:102,047,899-102,047,910, GACGAGGACAGA deleted; deleting any 12 consecutive bases within chr14:102,047,898-102,047,910 gives the same sequence; the c. name uses the placement nearest the transcript's 3' end. VCF-style (leftmost placement, unchanged base first): chr14-102047897-AAGACGAGGACAG-A. GRCh37 (hg19) VCF-style: chr14-102514234-AAGACGAGGACAG-A.
Other names: c.13089_13100del12 (NM_001376.5).
Identifiers: ClinVar variation 3366504 (VCV003366504.1).